The following is an entry in ClinVar:

ClinVar aggregate classification (germline): Uncertain significance. Review status: criteria provided, multiple submitters, no conflicts (2 of 4 stars). 2 submissions from 2 submitters: Uncertain significance (2). Last evaluated 2024-01-10.

Conditions:
DICER1-related tumor predisposition. Also called: DICER1 syndrome; DICER1-related pleuropulmonary blastoma cancer predisposition syndrome. Identifiers: Orphanet 284343, MedGen C3839822, MONDO:0100216.
Hereditary cancer-predisposing syndrome. Also called: Neoplastic Syndromes, Hereditary; Hereditary neoplastic syndrome; Tumor predisposition; Hereditary Cancer Syndrome. Identifiers: Orphanet 140162, MedGen C0027672, MeSH D009386, MONDO:0015356.

Submissions (2):

Labcorp Genetics (formerly Invitae), Labcorp
Classification: Uncertain significance for DICER1-related tumor predisposition. Last evaluated: 2024-01-10. Review status: criteria provided, single submitter. Criteria: Invitae Variant Classification Sherloc (09022015). Collection method: clinical testing. Allele origin: germline.
Comment: This sequence change replaces glycine, which is neutral and non-polar, with aspartic acid, which is acidic and polar, at codon 1136 of the DICER1 protein (p.Gly1136Asp). This variant is not present in population databases (gnomAD no frequency). This variant has not been reported in the literature in individuals affected with DICER1-related conditions. ClinVar contains an entry for this variant (Variation ID: 661048). Advanced modeling of protein sequence and biophysical properties (such as structural, functional, and spatial information, amino acid conservation, physicochemical variation, residue mobility, and thermodynamic stability) performed at Invitae indicates that this missense variant is not expected to disrupt DICER1 protein function with a negative predictive value of 80%. In summary, the available evidence is currently insufficient to determine the role of this variant in disease. Therefore, it has been classified as a Variant of Uncertain Significance.

Ambry Genetics
Classification: Uncertain significance for Hereditary cancer-predisposing syndrome. Last evaluated: 2021-08-10. Review status: criteria provided, single submitter. Criteria: Ambry Variant Classification Scheme 2023. Collection method: clinical testing. Allele origin: germline.
Comment: The p.G1136D variant (also known as c.3407G>A), located in coding exon 20 of the DICER1 gene, results from a G to A substitution at nucleotide position 3407. The glycine at codon 1136 is replaced by aspartic acid, an amino acid with similar properties. This amino acid position is well conserved in available vertebrate species. In addition, the in silico prediction for this alteration is inconclusive. Since supporting evidence is limited at this time, the clinical significance of this alteration remains unclear.

NM_177438.3(DICER1):c.3407G>A (p.Gly1136Asp)

Gene: DICER1 (dicer 1, ribonuclease III; minus strand). Cytogenetic location: 14q32.13.
Variant type: single nucleotide variant.
Coding change: c.3407G>A on transcript NM_177438.3 (MANE Select); coding-DNA position 3407, G replaced by A.
Protein change: p.Gly1136Asp; replaces glycine 1136 with aspartic acid.
Molecular consequence: missense variant.
Genome position (GRCh38, 1-based): chr14:95,103,989, C>T on the plus strand (G>A on the coding strand, the complement: DICER1 is on the minus strand). VCF-style: chr14-95103989-C-T. GRCh37 (hg19) VCF-style: chr14-95570326-C-T.
Other names: c.3407G>A, p.Gly1136Asp (NM_001195573.1, NM_001271282.3, NM_001291628.2 and 1 more transcripts); short protein forms G1136D.
Identifiers: ClinVar variation 661048 (VCV000661048.12), dbSNP rs888196326, ClinGen allele CA390875564.